The following is an entry in ClinVar:

ClinVar aggregate classification (germline): Uncertain significance (1 of 4 stars; one submission).

Conditions:
Autosomal recessive limb-girdle muscular dystrophy type 2A (LGMDR1). Also called: Calpainopathy; MUSCULAR DYSTROPHY, PELVOFEMORAL; Limb-girdle muscular dystrophy, type 2A; LEYDEN-MOEBIUS MUSCULAR DYSTROPHY; Muscular dystrophy, limb-girdle, type 2A, Amish. Identifiers: Orphanet 267, MedGen C1869123, MONDO:0009675, OMIM 253600. Disease mechanism: loss of function.

Allele frequency attached by ClinVar (database versions not stated): gnomAD exomes below 0.00001.

Submission:

Labcorp Genetics (formerly Invitae), Labcorp
Classification: Uncertain significance for Autosomal recessive limb-girdle muscular dystrophy type 2A. Last evaluated: 2025-01-27. Review status: criteria provided, single submitter. Criteria: Invitae Variant Classification Sherloc (09022015). Collection method: clinical testing. Allele origin: germline.
Comment: This sequence change falls in intron 20 of the CAPN3 gene. It does not directly change the encoded amino acid sequence of the CAPN3 protein. It affects a nucleotide within the consensus splice site. This variant is not present in population databases (gnomAD no frequency). This variant has not been reported in the literature in individuals affected with CAPN3-related conditions. ClinVar contains an entry for this variant (Variation ID: 1001385). Variants that disrupt the consensus splice site are a relatively common cause of aberrant splicing (PMID: 17576681, 9536098). Algorithms developed to predict the effect of sequence changes on RNA splicing suggest that this variant may disrupt the consensus splice site. In summary, the available evidence is currently insufficient to determine the role of this variant in disease. Therefore, it has been classified as a Variant of Uncertain Significance.

Literature cited by the submitters: PubMed 17576681; PubMed 9536098.

NM_000070.3(CAPN3):c.2184+5G>A

Gene: CAPN3 (calpain 3; plus strand). Cytogenetic location: 15q15.1.
Variant type: single nucleotide variant.
Coding change: c.2184+5G>A on transcript NM_000070.3 (MANE Select); 5 bases into the intron after coding-DNA position 2184, G replaced by A.
Molecular consequence: intron variant.
Genome position (GRCh38, 1-based): chr15:42,410,501, G>A. VCF-style: chr15-42410501-G-A. GRCh37 (hg19) VCF-style: chr15-42702699-G-A.
Other names: c.2166+5G>A (NM_024344.2); c.1908+5G>A (NM_173087.2); c.648+5G>A (NM_173088.2); c.189+5G>A (NM_173090.2, NM_173089.2).
Identifiers: ClinVar variation 1001385 (VCV001001385.6), dbSNP rs2054181284, ClinGen allele CA2172720720.
Genomic context (GRCh38, chr15:42,410,501, plus strand): 5'-GAAAGCTCAACCTGCAGGAGTTCCACCACCTCTGGAACAAGATTAAGGCCTGGCAGGTGG[G>A]AAGAGAAAATGAAGCGTGGGAGTCAAGAATGGGGTTGATTTGGAGATTCAGTGTGTGACC-3'